The following is an entry in ClinVar:

ClinVar aggregate classification (germline): Benign. Review status: criteria provided, multiple submitters, no conflicts (2 of 4 stars). 2 submissions from 2 submitters: Benign (2). Last evaluated 2018-01-13.

Conditions:
Achondrogenesis, type IA (ACG1A). Identifiers: Orphanet 932, Orphanet 93299, MedGen C0265273, MONDO:0008701, OMIM 200600.

Allele frequency attached by ClinVar (database versions not stated): gnomAD exomes 0.58138; 1000 Genomes Project 0.63199; 1000 Genomes Project 30x 0.63679; gnomAD 0.64522 and 0.65231; TOPMed 0.64702.
gnomAD v4.1: 137,761 of 220,372 alleles (63%); highest among the groups gnomAD compares: African/African-American, 89%; 45,422 homozygotes.

Submissions (2):

Illumina Laboratory Services, Illumina
Classification: Benign for Achondrogenesis, type IA. Last evaluated: 2018-01-13. Review status: criteria provided, single submitter. Criteria: ICSL Variant Classification Criteria 13 December 2019. Collection method: clinical testing. Allele origin: germline.
Comment: This variant was observed in the ICSL laboratory as part of a predisposition screen in an ostensibly healthy population. It had not been previously curated by ICSL or reported in the Human Gene Mutation Database (HGMD: prior to June 1st, 2018), and was therefore a candidate for classification through an automated scoring system. Utilizing variant allele frequency, disease prevalence and penetrance estimates, and inheritance mode, an automated score was calculated to assess if this variant is too frequent to cause the disease. Based on the score and internal cut-off values, a variant classified as benign is not then subjected to further curation. The score for this variant resulted in a classification of benign for this disease.

Breakthrough Genomics
Classification: Benign. Review status: criteria provided, single submitter. Criteria: ACMG Guidelines, 2015. Collection method: not provided. Allele origin: germline. Inheritance: Autosomal recessive inheritance. Affected: yes.

NM_004239.4(TRIP11):c.*1060C>T

Gene: TRIP11 (thyroid hormone receptor interactor 11; minus strand). Cytogenetic location: 14q32.12.
Variant type: single nucleotide variant.
Coding change: c.*1060C>T on transcript NM_004239.4 (MANE Select); 1060 bases downstream of the stop codon, C replaced by T.
Molecular consequence: 3 prime UTR variant.
Genome position (GRCh38, 1-based): chr14:91,968,613, G>A on the plus strand (C>T on the coding strand, the complement: TRIP11 is on the minus strand). VCF-style: chr14-91968613-G-A. GRCh37 (hg19) VCF-style: chr14-92434957-G-A.
Other names: c.*1060C>T (NM_001321851.1).
Identifiers: ClinVar variation 314901 (VCV000314901.6), dbSNP rs10142576, ClinGen allele CA10641307.